The following is an entry in ClinVar:

GRCh38/hg38 1p36.32-36.31(chr1:4799319-6129675)x3

Genes: CHD5 (chromodomain helicase DNA binding protein 5; minus strand), KCNAB2 (potassium voltage-gated channel subfamily A regulatory beta subunit 2; plus strand), LINC02782 (long intergenic non-protein coding RNA 2782; minus strand), MIR4689 (microRNA 4689; minus strand), NPHP4 (nephrocystin 4; minus strand) and 24 more. Cytogenetic location: 1p36.32-36.31.
Variant type: copy number gain.
Change: copy number 3 (three copies instead of two) of chr1:4,799,319-6,129,675 (1.33 Mb, GRCh38 coordinates, 1-based), cytogenetic band 1p36.32-36.31.
Identifiers: ClinVar variation 58041 (VCV000058041.1).

ClinVar aggregate classification (germline): Pathogenic (1 of 4 stars; one submission).

Submission:

ISCA site 17
Classification: Pathogenic. Last evaluated: 2011-08-12. Review status: criteria provided, single submitter. Criteria: Kaminsky et al. (Genet Med. 2011). Collection method: clinical testing. Allele origin: unknown. Affected: yes. Observed: 1 variant allele.
Comment: Copy number variation identified through the course of routine clinical cytogenomic testing in postnatal populations. Clinical assertions have been curated as described in Kaminsky et al. 2011.